The following is an entry in ClinVar:

NM_015001.3(SPEN):c.6223_6227del (p.Ser2075fs)

Gene: SPEN (spen family transcriptional repressor; plus strand). Cytogenetic location: 1p36.13.
Variant type: Deletion.
Coding change: c.6223_6227del on transcript NM_015001.3 (MANE Select); coding-DNA positions 6223 to 6227, 5 bases deleted (TCAAA; older notation c.6223_6227delTCAAA).
Protein change: p.Ser2075fs; shifts the reading frame from serine 2075.
Molecular consequence: frameshift variant.
Genome position (GRCh38, 1-based): chr1:15,932,463-15,932,467, TCAAA deleted; deleting any 5 consecutive bases within chr1:15,932,459-15,932,467 gives the same sequence; the c. name uses the placement nearest the transcript's 3' end. VCF-style (leftmost placement, unchanged base first): chr1-15932458-CCAAAT-C. GRCh37 (hg19) VCF-style: chr1-16258953-CCAAAT-C.
Other names: short protein forms S2075fs.
Identifiers: ClinVar variation 992612 (VCV000992612.8), dbSNP rs2148741007, ClinGen allele CA2499214239.

ClinVar aggregate classification (germline): Pathogenic. Review status: criteria provided, multiple submitters, no conflicts (2 of 4 stars). 4 submissions from 4 submitters: Pathogenic (3). 1 of the submissions does not count toward it. Last evaluated 2026-01-07.

Conditions:
Radio-Tartaglia syndrome. Identifiers: Orphanet 662234, MedGen C5543339, MONDO:0859143, OMIM 619312.

Submissions (4):

3billion
Classification: Pathogenic for Radio-Tartaglia syndrome. Last evaluated: 2026-01-07. Review status: criteria provided, single submitter. Criteria: ACMG Guidelines, 2015. Collection method: clinical testing. Allele origin: germline. Affected: yes.
Comment: The variant is not observed in the gnomAD v4.1.0 dataset. Predicted Consequence/Location: Frameshift: predicted to result in a loss or disruption of normal protein function through nonsense-mediated decay (NMD) or protein truncation. Multiple pathogenic variants are reported downstream of the variant. The variant has been previously reported as de novo in a similarly affected individual (PMID: 33596411). The variant has been reported at least twice as pathogenic without evidence for the classification (ClinVar ID: VCV000992612 /PMID: 33596411). Therefore, this variant is classified as Pathogenic according to the recommendation of ACMG/AMP guideline.

Victorian Clinical Genetics Services, Murdoch Childrens Research Institute
Classification: Pathogenic for Radio-Tartaglia syndrome. Last evaluated: 2023-07-17. Review status: criteria provided, single submitter. Criteria: ACMG Guidelines, 2015. Collection method: clinical testing. Allele origin: germline. Inheritance: Autosomal dominant inheritance.
Comment: Based on the classification scheme VCGS_Germline_v1.3.4, this variant is classified as Pathogenic. Following criteria are met: 0102 - Loss of function is a known mechanism of disease in this gene and is associated with Radio-Tartaglia syndrome (MIM#619312). (I) 0107 - This gene is associated with autosomal dominant disease. (I) 0201 - Variant is predicted to cause nonsense-mediated decay (NMD) and loss of protein (premature termination codon is located at least 54 nucleotides upstream of the final exon-exon junction). (SP) 0251 - This variant is heterozygous. (I) 0301 - Variant is absent from gnomAD (both v2 and v3). (SP) 0701 - Other NMD-predicted variants comparable to the one identified in this case have very strong previous evidence for pathogenicity (ClinVar, PMID: 33596411). (SP) 0802 - This variant has moderate previous evidence of pathogenicity in unrelated individuals. It has been found de novo in an individual with Radio-Tartaglia syndrome (MIM#619312). (PMID: 33596411). (SP) Legend: (SP) - Supporting pathogenic, (I) - Information, (SB) - Supporting benign

Tartaglia Lab, Genetics and Rare Diseases Research Division, Bambino Gesu' Children's Hospital
Classification: Pathogenic. Last evaluated: 2020-12-03. Review status: criteria provided, single submitter. Criteria: ACMG Guidelines, 2015. Collection method: research. Allele origin: de novo. Affected: yes. Observed: 1 variant allele.

Greenwood Genetic Center Diagnostic Laboratories, Greenwood Genetic Center
Classification: Uncertain significance. Last evaluated: 2021-02-04. Review status: no assertion criteria provided. Collection method: clinical testing. Allele origin: germline. Affected: yes. Not counted in ClinVar's aggregate classification.
Comment: Gene of uncertain clinical significance

Literature cited by the submitters: PubMed 33596411 (cited by 3billion and Victorian Clinical Genetics Services, Murdoch Childrens Research Institute).